The following is an entry in ClinVar:

NM_001375808.2(LPIN2):c.*2493C>G

Gene: LPIN2 (lipin 2; minus strand). Cytogenetic location: 18p11.31.
Variant type: single nucleotide variant.
Coding change: c.*2493C>G on transcript NM_001375808.2 (MANE Select); 2493 bases downstream of the stop codon, C replaced by G.
Molecular consequence: 3 prime UTR variant.
Genome position (GRCh38, 1-based): chr18:2,917,800, G>C on the plus strand (C>G on the coding strand, the complement: LPIN2 is on the minus strand). VCF-style: chr18-2917800-G-C. GRCh37 (hg19) VCF-style: chr18-2917798-G-C.
Other names: c.*2493C>G (NM_001375809.1, NM_014646.2).
Identifiers: ClinVar variation 326562 (VCV000326562.6), dbSNP rs8091401, ClinGen allele CA10641228.

ClinVar aggregate classification (germline): Benign. Review status: criteria provided, multiple submitters, no conflicts (2 of 4 stars). 2 submissions from 2 submitters: Benign (2). Last evaluated 2018-01-13.

Conditions:
Majeed syndrome (MJDS). Also called: CHRONIC RECURRENT MULTIFOCAL OSTEOMYELITIS 1, WITH CONGENITAL DYSERYTHROPOIETIC ANEMIA, WITH OR WITHOUT NEUTROPHILIC DERMATOSIS; LPIN2-Related Majeed Syndrome. Identifiers: Orphanet 77297, MedGen C1864997, MONDO:0012316, OMIM 609628.

Allele frequency attached by ClinVar (database versions not stated): gnomAD exomes 0.01923; gnomAD 0.08779 and 0.08828; TOPMed 0.09233; 1000 Genomes Project 0.10204; 1000 Genomes Project 30x 0.10290.
gnomAD v4.1: 13,304 of 152,138 alleles (8.7%); highest among the groups gnomAD compares: African/African-American, 14%; 731 homozygotes.

Submissions (2):

Illumina Laboratory Services, Illumina
Classification: Benign for Majeed syndrome. Last evaluated: 2018-01-13. Review status: criteria provided, single submitter. Criteria: ICSL Variant Classification Criteria 13 December 2019. Collection method: clinical testing. Allele origin: germline.
Comment: This variant was observed in the ICSL laboratory as part of a predisposition screen in an ostensibly healthy population. It had not been previously curated by ICSL or reported in the Human Gene Mutation Database (HGMD: prior to June 1st, 2018), and was therefore a candidate for classification through an automated scoring system. Utilizing variant allele frequency, disease prevalence and penetrance estimates, and inheritance mode, an automated score was calculated to assess if this variant is too frequent to cause the disease. Based on the score and internal cut-off values, a variant classified as benign is not then subjected to further curation. The score for this variant resulted in a classification of benign for this disease.

Breakthrough Genomics
Classification: Benign. Review status: criteria provided, single submitter. Criteria: ACMG Guidelines, 2015. Collection method: not provided. Allele origin: germline. Inheritance: Unknown mechanism. Affected: yes.